The following is an entry in ClinVar:

NM_001283009.2(RTEL1):c.2618G>A (p.Gly873Glu)

Genes: RTEL1 (regulator of telomere elongation helicase 1; plus strand), RTEL1-TNFRSF6B (RTEL1-TNFRSF6B readthrough (NMD candidate); plus strand). Cytogenetic location: 20q13.33.
Variant type: single nucleotide variant.
Coding change: c.2618G>A on transcript NM_001283009.2 (MANE Select); coding-DNA position 2618, G replaced by A.
Protein change: p.Gly873Glu; replaces glycine 873 with glutamic acid.
Molecular consequence: missense variant. On other transcripts: non-coding transcript variant (1).
Genome position (GRCh38, 1-based): chr20:63,691,803, G>A. VCF-style: chr20-63691803-G-A. GRCh37 (hg19) VCF-style: chr20-62323156-G-A.
Other names: c.1949G>A, p.Gly650Glu (NM_001283010.1); c.2618G>A, p.Gly873Glu (NM_016434.4); c.2690G>A, p.Gly897Glu (NM_032957.5); short protein forms G897E, G873E, G650E.
Identifiers: ClinVar variation 1907616 (VCV001907616.2), dbSNP rs755444493, ClinGen allele CA9965433.

ClinVar aggregate classification (germline): Uncertain significance (1 of 4 stars; one submission).

Conditions:
Dyskeratosis congenita, autosomal recessive 5 (DKCB5). Identifiers: MedGen C3554656, MONDO:0014076, OMIM 615190.
Pulmonary fibrosis and/or bone marrow failure, Telomere-related, 3. Also called: PULMONARY FIBROSIS AND/OR BONE MARROW FAILURE SYNDROME, TELOMERE-RELATED, 3. Identifiers: Orphanet 2032, MedGen C4225346, MONDO:0014613, OMIM 616373.

Allele frequency attached by ClinVar (database versions not stated): ExAC 0.00002.
gnomAD v4.1: 2 of 1,612,344 alleles (0.00012%); highest among the groups gnomAD compares: South Asian, 0.0022%; no homozygotes.

Submission:

Labcorp Genetics (formerly Invitae), Labcorp
Classification: Uncertain significance for Dyskeratosis congenita, autosomal recessive 5; Pulmonary fibrosis and/or bone marrow failure, Telomere-related, 3. Last evaluated: 2022-09-17. Review status: criteria provided, single submitter. Criteria: Invitae Variant Classification Sherloc (09022015). Collection method: clinical testing. Allele origin: germline.
Comment: This sequence change replaces glycine, which is neutral and non-polar, with glutamic acid, which is acidic and polar, at codon 873 of the RTEL1 protein (p.Gly873Glu). This variant is present in population databases (rs755444493, gnomAD 0.003%). This variant has not been reported in the literature in individuals affected with RTEL1-related conditions. Algorithms developed to predict the effect of missense changes on protein structure and function are either unavailable or do not agree on the potential impact of this missense change (SIFT: "Tolerated"; PolyPhen-2: "Probably Damaging"; Align-GVGD: "Class C0"). In summary, the available evidence is currently insufficient to determine the role of this variant in disease. Therefore, it has been classified as a Variant of Uncertain Significance.